The following is an entry in ClinVar:

ClinVar aggregate classification (germline): Pathogenic (1 of 4 stars; one submission).

Conditions:
Rare genetic deafness. Identifiers: Orphanet 96210, MedGen C5680250.
Nonsyndromic genetic hearing loss. Also called: Non-syndromic genetic deafness; Nonsyndromic hearing loss and deafness; Nonsyndromic genetic deafness. Identifiers: Orphanet 87884, MedGen C5680182, MONDO:0019497.

Submission:

Laboratory for Molecular Medicine, Mass General Brigham Personalized Medicine
Classification: Pathogenic for Rare genetic deafness; Nonsyndromic genetic hearing loss. Last evaluated: 2014-03-04. Review status: criteria provided, single submitter. Criteria: LMM Criteria. Collection method: clinical testing. Allele origin: germline. Inheritance: Autosomal recessive inheritance. Observed: 1 variant allele.
Comment: The Ser1951fs variant in MYO15A has not been previously reported in individuals or in large population studies. This variant is predicted to cause a frameshift, which alters the protein's amino acid sequence beginning at codon 1951 and lead s to a premature stop codon 3 codons downstream. This alteration is then predict ed to lead to a truncated or absent protein. In summary, this variant meets our criteria for pathogenicity.

NM_016239.4(MYO15A):c.5851del (p.Ser1951fs)

Gene: MYO15A (myosin XVA; plus strand). Cytogenetic location: 17p11.2.
Variant type: Deletion.
Coding change: c.5851del on transcript NM_016239.4 (MANE Select); coding-DNA position 5851, one base deleted (A; older notation c.5851delA).
Protein change: p.Ser1951fs; shifts the reading frame from serine 1951.
Molecular consequence: frameshift variant.
Genome position (GRCh38, 1-based): chr17:18,142,781, A deleted. VCF-style (leftmost placement, unchanged base first): chr17-18142780-GA-G. GRCh37 (hg19) VCF-style: chr17-18046094-GA-G.
Other names: short protein forms S1951fs.
Identifiers: ClinVar variation 179619 (VCV000179619.4), dbSNP rs727504995, ClinGen allele CA273639.
Genomic context (GRCh38, chr17:18,142,780, plus strand): 5'-GCCCCAATCCCTGACCTCCCCACTACCCCAACCCAGGCAACGCTATCAGCAGATGAGGAG[GA>G]GTCTGGTGAAGTTCCGGTCCCTGGTACACGCATACGTGAGCCGCCGACGCTATCTCAAGG-3'